The following is an entry in ClinVar:

ClinVar aggregate classification (germline): Uncertain significance (1 of 4 stars; one submission).

Conditions:
Aniridia 1 (AN1). Identifiers: Orphanet 250923, MedGen C0344542, MONDO:0024507, OMIM 106210.
Irido-corneo-trabecular dysgenesis (ASGD5). Also called: ANTERIOR SEGMENT DYSGENESIS 5. Identifiers: Orphanet 708, MedGen C0344559, MONDO:0011414, OMIM 604229, HP:0000659.

Allele frequency attached by ClinVar (database versions not stated): gnomAD exomes below 0.00001.
gnomAD v4.1: 1 of 1,614,080 alleles (0.000062%); highest among the groups gnomAD compares: East Asian, 0.0022%; no homozygotes.

Submission:

Labcorp Genetics (formerly Invitae), Labcorp
Classification: Uncertain significance for Aniridia 1; Irido-corneo-trabecular dysgenesis. Last evaluated: 2023-03-07. Review status: criteria provided, single submitter. Criteria: Invitae Variant Classification Sherloc (09022015). Collection method: clinical testing. Allele origin: germline.
Comment: This sequence change replaces proline, which is neutral and non-polar, with serine, which is neutral and polar, at codon 20 of the PAX6 protein (p.Pro20Ser). This variant is not present in population databases (gnomAD no frequency). In summary, the available evidence is currently insufficient to determine the role of this variant in disease. Therefore, it has been classified as a Variant of Uncertain Significance. Advanced modeling of protein sequence and biophysical properties (such as structural, functional, and spatial information, amino acid conservation, physicochemical variation, residue mobility, and thermodynamic stability) performed at Invitae indicates that this missense variant is expected to disrupt PAX6 protein function. This missense change has been observed in individual(s) with foveal hypoplasia (PMID: 32857266).

Literature cited by the submitters: PubMed 32857266.

NM_001368894.2(PAX6):c.58C>T (p.Pro20Ser)

Gene: PAX6 (paired box 6; minus strand). Cytogenetic location: 11p13.
Variant type: single nucleotide variant.
Coding change: c.58C>T on transcript NM_001368894.2 (MANE Select); coding-DNA position 58, C replaced by T.
Protein change: p.Pro20Ser; replaces proline 20 with serine.
Molecular consequence: missense variant. On other transcripts: 5 prime UTR variant (12), non-coding transcript variant (2), intron variant (2).
Genome position (GRCh38, 1-based): chr11:31,802,787, G>A on the plus strand (C>T on the coding strand, the complement: PAX6 is on the minus strand). VCF-style: chr11-31802787-G-A. GRCh37 (hg19) VCF-style: chr11-31824335-G-A.
Other names: c.58C>T, p.Pro20Ser (NM_000280.6, NM_001127612.3, NM_001258462.3 and 30 more transcripts); c.-724C>T (NM_001310160.2, NM_001368905.2); c.-393C>T (NM_001310161.3, NM_001368900.2, NM_001368903.2 and 2 more transcripts); c.-351C>T (NM_001368899.2, NM_001368901.2, NM_001368906.2 and 1 more transcripts); c.-682C>T (NM_001368902.2); c.301C>T, p.Pro101Ser (NM_001368910.2); c.61C>T, p.Pro21Ser (NM_001368911.2); c.-267-1011C>T (NM_001368909.2, NM_001368904.2); short protein forms P21S, P20S, P101S.
Identifiers: ClinVar variation 2933344 (VCV002933344.3), dbSNP rs2496303548, ClinGen allele CA379959633.